The following is an entry in ClinVar:

NM_018834.6(MATR3):c.*275C>T

Gene: MATR3 (matrin 3; plus strand). Cytogenetic location: 5q31.2.
Variant type: single nucleotide variant.
Coding change: c.*275C>T on transcript NM_018834.6 (MANE Select); 275 bases downstream of the stop codon, C replaced by T.
Molecular consequence: 3 prime UTR variant.
Genome position (GRCh38, 1-based): chr5:139,329,670, C>T. VCF-style: chr5-139329670-C-T. GRCh37 (hg19) VCF-style: chr5-138665359-C-T.
Other names: c.*275C>T (NM_001194954.2, NM_001194955.2, NM_001194956.2 and 2 more transcripts).
Identifiers: ClinVar variation 351150 (VCV000351150.8), dbSNP rs187985845, ClinGen allele CA3433544.

ClinVar aggregate classification (germline): Benign. Review status: criteria provided, multiple submitters, no conflicts (2 of 4 stars). 2 submissions from 2 submitters: Benign (2). Last evaluated 2021-02-22.

Conditions:
Amyotrophic lateral sclerosis type 21. Also called: VOCAL CORD AND PHARYNGEAL DYSFUNCTION WITH DISTAL MYOPATHY; MYOPATHY, DISTAL, 2. Identifiers: Orphanet 600, Orphanet 803, MedGen C3807521, MONDO:0011632, OMIM 606070.

Allele frequency attached by ClinVar (database versions not stated): 1000 Genomes Project 0.00240; 1000 Genomes Project 30x 0.00250; gnomAD 0.00414 and 0.00426; TOPMed 0.00468; gnomAD exomes 0.00551 and 0.00586; ExAC 0.00799.
gnomAD v4.1: 2,529 of 490,618 alleles (0.52%); highest among the groups gnomAD compares: Middle Eastern, 1.3%; 10 homozygotes.

Submissions (2):

GeneDx
Classification: Benign. Last evaluated: 2021-02-22. Review status: criteria provided, single submitter. Criteria: GeneDx Variant Classification Process June 2021. Collection method: clinical testing. Allele origin: germline. Affected: yes.

Illumina Laboratory Services, Illumina
Classification: Benign for Amyotrophic lateral sclerosis type 21. Last evaluated: 2018-01-12. Review status: criteria provided, single submitter. Criteria: ICSL Variant Classification Criteria 13 December 2019. Collection method: clinical testing. Allele origin: germline.
Comment: This variant was observed in the ICSL laboratory as part of a predisposition screen in an ostensibly healthy population. It had not been previously curated by ICSL or reported in the Human Gene Mutation Database (HGMD: prior to June 1st, 2018), and was therefore a candidate for classification through an automated scoring system. Utilizing variant allele frequency, disease prevalence and penetrance estimates, and inheritance mode, an automated score was calculated to assess if this variant is too frequent to cause the disease. Based on the score and internal cut-off values, a variant classified as benign is not then subjected to further curation. The score for this variant resulted in a classification of benign for this disease.